The following is an entry in ClinVar:

ClinVar aggregate classification (germline): Benign (1 of 4 stars; one submission).

gnomAD v4.1: 93,187 of 151,960 alleles (61%); highest among the groups gnomAD compares: African/African-American, 75%; 29,312 homozygotes.

Submission:

Unidad de Genómica Garrahan, Hospital de Pediatría Garrahan
Classification: Benign. Last evaluated: 2024-07-31. Review status: criteria provided, single submitter. Criteria: ACMG Guidelines, 2015. Collection method: clinical testing. Allele origin: germline. Affected: no. Observed: 64 variant alleles.
Comment: This variant is classified as Benign based on local population frequency. This variant was detected in 69% of patients studied in a panel designed for Epileptic and Developmental Encephalopathy, Progressive Myoclonus Epilepsy and Abnormal Movements and Neurodegeneration with brain iron accumulation. Number of patients: 64. Only high quality variants are reported.

NM_004562.3(PRKN):c.7+83675A>G

Gene: PRKN (parkin RBR E3 ubiquitin protein ligase; minus strand). Cytogenetic location: 6q26.
Variant type: single nucleotide variant.
Coding change: c.7+83675A>G on transcript NM_004562.3 (MANE Select); 83675 bases into the intron after coding-DNA position 7, A replaced by G.
Molecular consequence: intron variant.
Genome position (GRCh38, 1-based): chr6:162,643,987, T>C on the plus strand (A>G on the coding strand, the complement: PRKN is on the minus strand). VCF-style: chr6-162643987-T-C. GRCh37 (hg19) VCF-style: chr6-163065019-T-C.
Other names: c.7+83675A>G (NM_013988.3, NM_013987.3).
Identifiers: ClinVar variation 3256859 (VCV003256859.2).